The following is an entry in ClinVar:

NM_021629.4(GNB4):c.941G>A (p.Arg314His)

Gene: GNB4 (G protein subunit beta 4; minus strand). Cytogenetic location: 3q26.33.
Variant type: single nucleotide variant.
Coding change: c.941G>A on transcript NM_021629.4 (MANE Select); coding-DNA position 941, G replaced by A.
Protein change: p.Arg314His; replaces arginine 314 with histidine.
Molecular consequence: missense variant.
Genome position (GRCh38, 1-based): chr3:179,401,295, C>T on the plus strand (G>A on the coding strand, the complement: GNB4 is on the minus strand). VCF-style: chr3-179401295-C-T. GRCh37 (hg19) VCF-style: chr3-179119083-C-T.
Other names: short protein forms R314H.
Identifiers: ClinVar variation 1016177 (VCV001016177.10), dbSNP rs747095396, ClinGen allele CA2712364.
Genomic context (GRCh38, chr3:179,401,295, plus strand): 5'-CTGTCCCAAGAGCCTGTTGCCACAGCCATGCCATCATCAGTTACACCTAAGCAGCTCACA[C>T]GGTTGTCATGACCAGCAAGGACACCTGAAAAAAAAATTCAGTAAAAAATTGGCAATTGTA-3'
Protein context (NP_067642.1, residues 304-324): RAGVLAGHDN[Arg314His]VSCLGVTDDG

ClinVar aggregate classification (germline): Uncertain significance. Review status: criteria provided, multiple submitters, no conflicts (2 of 4 stars). 2 submissions from 2 submitters: Uncertain significance (2). Last evaluated 2023-05-15.

Conditions:
Inborn genetic diseases. Identifiers: MedGen C0950123, MeSH D030342.
Charcot-Marie-Tooth disease dominant intermediate F. Identifiers: Orphanet 352670, MedGen C4749463, MONDO:0014074, OMIM 615185.

Allele frequency attached by ClinVar (database versions not stated): ExAC 0.00001; gnomAD exomes 0.00001.
gnomAD v4.1: 14 of 1,612,386 alleles (0.00087%); highest among the groups gnomAD compares: Non-Finnish European, 0.0011%; no homozygotes.

Submissions (2):

Labcorp Genetics (formerly Invitae), Labcorp
Classification: Uncertain significance for Charcot-Marie-Tooth disease dominant intermediate F. Last evaluated: 2023-05-15. Review status: criteria provided, single submitter. Criteria: Invitae Variant Classification Sherloc (09022015). Collection method: clinical testing. Allele origin: germline.
Comment: ClinVar contains an entry for this variant (Variation ID: 1016177). In summary, the available evidence is currently insufficient to determine the role of this variant in disease. Therefore, it has been classified as a Variant of Uncertain Significance. Advanced modeling of protein sequence and biophysical properties (such as structural, functional, and spatial information, amino acid conservation, physicochemical variation, residue mobility, and thermodynamic stability) has been performed at Invitae for this missense variant, however the output from this modeling did not meet the statistical confidence thresholds required to predict the impact of this variant on GNB4 protein function. This variant has not been reported in the literature in individuals affected with GNB4-related conditions. This variant is present in population databases (rs747095396, gnomAD 0.003%). This sequence change replaces arginine, which is basic and polar, with histidine, which is basic and polar, at codon 314 of the GNB4 protein (p.Arg314His).

Ambry Genetics
Classification: Uncertain significance for Inborn genetic diseases. Last evaluated: 2022-09-22. Review status: criteria provided, single submitter. Criteria: Ambry Variant Classification Scheme 2023. Collection method: clinical testing. Allele origin: germline.
Comment: The p.R314H variant (also known as c.941G>A), located in coding exon 9 of the GNB4 gene, results from a G to A substitution at nucleotide position 941. The arginine at codon 314 is replaced by histidine, an amino acid with highly similar properties. This amino acid position is conserved. In addition, the in silico prediction for this alteration is inconclusive. Since supporting evidence is limited at this time, the clinical significance of this alteration remains unclear.